The following is an entry in ClinVar:

ClinVar aggregate classification (germline): Pathogenic (1 of 4 stars; one submission).

Allele frequency attached by ClinVar (database versions not stated): TOPMed 0.00001.

Submission:

Labcorp Genetics (formerly Invitae), Labcorp
Classification: Pathogenic. Last evaluated: 2024-11-17. Review status: criteria provided, single submitter. Criteria: Invitae Variant Classification Sherloc (09022015). Collection method: clinical testing. Allele origin: germline.
Comment: This sequence change creates a premature translational stop signal (p.Asp66Ilefs*24) in the NDUFAF2 gene. While this is not anticipated to result in nonsense mediated decay, it is expected to disrupt the last 104 amino acid(s) of the NDUFAF2 protein. This variant is not present in population databases (gnomAD no frequency). This variant has not been reported in the literature in individuals affected with NDUFAF2-related conditions. ClinVar contains an entry for this variant (Variation ID: 2975537). This variant disrupts a region of the NDUFAF2 protein in which other variant(s) (p.Trp74*) have been determined to be pathogenic (PMID: 20818383, 34234304). This suggests that this is a clinically significant region of the protein, and that variants that disrupt it are likely to be disease-causing. For these reasons, this variant has been classified as Pathogenic.

Literature cited by the submitters: PubMed 20818383; PubMed 34234304.

NM_174889.5(NDUFAF2):c.192del (p.Asp66fs)

Gene: NDUFAF2 (NADH:ubiquinone oxidoreductase complex assembly factor 2; plus strand). Cytogenetic location: 5q12.1.
Variant type: Deletion.
Coding change: c.192del on transcript NM_174889.5 (MANE Select); coding-DNA position 192, one base deleted (A; older notation c.192delA).
Protein change: p.Asp66fs; shifts the reading frame from aspartic acid 66.
Molecular consequence: frameshift variant.
Genome position (GRCh38, 1-based): chr5:61,073,189, A deleted. VCF-style (leftmost placement, unchanged base first): chr5-61073188-CA-C. GRCh37 (hg19) VCF-style: chr5-60369015-CA-C.
Other names: short protein forms D66fs.
Identifiers: ClinVar variation 2975537 (VCV002975537.4), dbSNP rs1752323416, ClinGen allele CA1550065713.